The following is an entry in ClinVar:

NM_000548.5(TSC2):c.4114G>C (p.Val1372Leu)

Gene: TSC2 (TSC complex subunit 2; plus strand). Cytogenetic location: 16p13.3.
Variant type: single nucleotide variant.
Coding change: c.4114G>C on transcript NM_000548.5 (MANE Select); coding-DNA position 4114, G replaced by C.
Protein change: p.Val1372Leu; replaces valine 1372 with leucine.
Molecular consequence: missense variant.
Genome position (GRCh38, 1-based): chr16:2,084,336, G>C. VCF-style: chr16-2084336-G-C. GRCh37 (hg19) VCF-style: chr16-2134337-G-C.
Other names: c.3913G>C, p.Val1305Leu (NM_001077183.3); c.4045G>C, p.Val1349Leu (NM_001114382.3); c.3805G>C, p.Val1269Leu (NM_001318827.2); c.3769G>C, p.Val1257Leu (NM_001318829.2); c.3382G>C, p.Val1128Leu (NM_001318831.2); c.3946G>C, p.Val1316Leu (NM_001318832.2); c.3916G>C, p.Val1306Leu (NM_001363528.2); c.3982G>C, p.Val1328Leu (NM_001370404.1); and 1 more; short protein forms V1257L, V1305L, V1328L, V1349L, V1329L, V1306L, V1316L, V1372L.
Identifiers: ClinVar variation 1462943 (VCV001462943.8), dbSNP rs2090494113, ClinGen allele CA394299525.

ClinVar aggregate classification (germline): Uncertain significance (1 of 4 stars; one submission).

Conditions:
Tuberous sclerosis 2 (TSC2). Identifiers: Orphanet 805, MedGen C1860707, MONDO:0013199, OMIM 613254.

Submission:

Labcorp Genetics (formerly Invitae), Labcorp
Classification: Uncertain significance for Tuberous sclerosis 2. Last evaluated: 2020-11-11. Review status: criteria provided, single submitter. Criteria: Invitae Variant Classification Sherloc (09022015). Collection method: clinical testing. Allele origin: germline.
Comment: This sequence change replaces valine with leucine at codon 1372 of the TSC2 protein (p.Val1372Leu). The valine residue is weakly conserved and there is a small physicochemical difference between valine and leucine. Advanced modeling of protein sequence and biophysical properties (such as structural, functional, and spatial information, amino acid conservation, physicochemical variation, residue mobility, and thermodynamic stability) performed at Invitae indicates that this missense variant is not expected to disrupt TSC2 protein function. This variant is not present in population databases (ExAC no frequency). This variant has not been reported in the literature in individuals with TSC2-related conditions. In summary, the available evidence is currently insufficient to determine the role of this variant in disease. Therefore, it has been classified as a Variant of Uncertain Significance.